The following is an entry in ClinVar:

NM_006939.4(SOS2):c.591A>G (p.Leu197=)

Gene: SOS2 (SOS Ras/Rho guanine nucleotide exchange factor 2; minus strand). Cytogenetic location: 14q21.3.
Variant type: single nucleotide variant.
Coding change: c.591A>G on transcript NM_006939.4 (MANE Select); coding-DNA position 591, A replaced by G.
Protein change: p.Leu197=; no amino-acid change (leucine 197 retained).
Molecular consequence: synonymous variant.
Genome position (GRCh38, 1-based): chr14:50,188,620, T>C on the plus strand (A>G on the coding strand, the complement: SOS2 is on the minus strand). VCF-style: chr14-50188620-T-C. GRCh37 (hg19) VCF-style: chr14-50655338-T-C.
Other names: p.Leu197=.
Identifiers: ClinVar variation 386529 (VCV000386529.63), dbSNP rs113460230, ClinGen allele CA7177494.

ClinVar aggregate classification (germline): Benign/Likely benign. Review status: criteria provided, multiple submitters, no conflicts (2 of 4 stars). 12 submissions from 12 submitters: Benign (11); Likely benign (1). Last evaluated 2026-09-01.

Conditions:
Noonan syndrome and Noonan-related syndrome. Identifiers: Orphanet 98733, MedGen C5681679, MONDO:0020297.
Cardiovascular phenotype. Identifiers: MedGen CN230736.
Noonan syndrome 9 (NS9). Identifiers: Orphanet 648, MedGen C4225282, MONDO:0014691, OMIM 616559.

Allele frequency attached by ClinVar (database versions not stated): 1000 Genomes Project 30x 0.00390; TOPMed 0.00727; ExAC 0.00739; ESP Exome Variant Server 0.00753; gnomAD 0.00760 and 0.00834; 1000 Genomes Project 0.00379.
gnomAD v4.1: 14,628 of 1,610,384 alleles (0.91%); highest among the groups gnomAD compares: Non-Finnish European, 1.1%; 91 homozygotes.

Submissions (12):

CeGaT Center for Human Genetics Tuebingen
Classification: Benign. Last evaluated: 2026-09-01. Review status: criteria provided, single submitter. Criteria: CeGaT Center For Human Genetics Tuebingen Variant Classification Criteria Version 2. Collection method: clinical testing. Allele origin: germline. Affected: yes. Observed: 49 variant alleles.
Comment: SOS2: BP4, BP7, BS1, BS2

Labcorp Genetics (formerly Invitae), Labcorp
Classification: Benign for Noonan syndrome 9. Last evaluated: 2026-02-03. Review status: criteria provided, single submitter. Criteria: Invitae Variant Classification Sherloc (09022015). Collection method: clinical testing. Allele origin: germline.

ARUP Laboratories, Molecular Genetics and Genomics, ARUP Laboratories
Classification: Benign for Noonan syndrome 9. Last evaluated: 2025-02-21. Review status: criteria provided, single submitter. Criteria: ARUP Molecular Germline Variant Investigation Process 2024. Collection method: clinical testing. Allele origin: germline.

Blueprint Genetics
Classification: Likely benign. Last evaluated: 2024-11-27. Review status: criteria provided, single submitter. Criteria: ACMG Guidelines, 2015. Collection method: clinical testing. Allele origin: germline.

Mayo Clinic Laboratories, Mayo Clinic
Classification: Benign. Last evaluated: 2023-08-08. Review status: criteria provided, single submitter. Criteria: ACMG Guidelines, 2015. Collection method: clinical testing. Allele origin: germline. Observed: 17 variant alleles.
Comment: BA1, BS2, BP4, BP7

Genome Diagnostics Laboratory, The Hospital for Sick Children
Classification: Benign for Noonan syndrome and Noonan-related syndrome. Last evaluated: 2021-04-16. Review status: criteria provided, single submitter. Criteria: ACMG Guidelines, 2015. Collection method: clinical testing. Allele origin: germline.

Ambry Genetics
Classification: Benign for Cardiovascular phenotype. Last evaluated: 2020-02-19. Review status: criteria provided, single submitter. Criteria: Ambry Variant Classification Scheme 2023. Collection method: clinical testing. Allele origin: germline.

Laboratory for Molecular Medicine, Mass General Brigham Personalized Medicine
Classification: Benign. Last evaluated: 2018-12-27. Review status: criteria provided, single submitter. Criteria: LMM Criteria. Collection method: clinical testing. Allele origin: germline. Observed: 1 variant allele.
Comment: p.Leu197Leu in exon 5 of SOS2: This variant is not expected to have clinical significance because it does not alter an amino acid residue, is not located within the splice consensus sequence, and has been identified in 1.08% (718/66434) of European chromosomes by the Exome Aggregation Consortium (ExAC; dbSNP rs113460230).

Women's Health and Genetics/Laboratory Corporation of America, LabCorp
Classification: Benign. Last evaluated: 2017-04-12. Review status: criteria provided, single submitter. Criteria: LabCorp Variant Classification Summary - May 2015. Collection method: clinical testing. Allele origin: germline.
Comment: Variant summary: The SOS2 c.591A>G (p.Leu197Leu) variant involves the alteration of a non-conserved nucleotide, resulting in a synonymous change. One in silico tool predicts a damaging outcome for this variant. 5/5 splice prediction tools predict no significant impact on normal splicing and ESE finder predicts that this variant does not affect ESE sites at the locus. However, these predictions have yet to be confirmed by functional studies. This variant was found in the large control database ExAC at a frequency of 0.007386 (893/120904 control chromosomes [9 homozygotes]), which is approximately 2954 times the estimated maximal expected allele frequency of a pathogenic SOS2 variant (0.0000025), providing strong evidence that this variant is likely a benign polymorphism. In addition, one clinical diagnostic laboratory classified this variant as benign. Taken together, this variant is classified as benign.

GeneDx
Classification: Benign. Last evaluated: 2016-10-25. Review status: criteria provided, single submitter. Criteria: GeneDx Variant Classification (06012015). Collection method: clinical testing. Allele origin: germline. Affected: yes.
Comment: This variant is considered likely benign or benign based on one or more of the following criteria: it is a conservative change, it occurs at a poorly conserved position in the protein, it is predicted to be benign by multiple in silico algorithms, and/or has population frequency not consistent with disease.

Breakthrough Genomics
Classification: Benign. Review status: criteria provided, single submitter. Criteria: ACMG Guidelines, 2015. Collection method: not provided. Allele origin: germline. Inheritance: Autosomal dominant inheritance. Affected: yes.

Genome-Nilou Lab
Classification: Benign for Noonan syndrome 9. Review status: criteria provided, single submitter. Criteria: ACMG Guidelines, 2015. Collection method: clinical testing. Allele origin: germline.

Literature cited by the submitters: PubMed 26173643 (cited by Women's Health and Genetics/Laboratory Corporation of America, LabCorp).